The following is an entry in ClinVar:

ClinVar aggregate classification (germline): Uncertain significance (1 of 4 stars; one submission).

Allele frequency attached by ClinVar (database versions not stated): gnomAD exomes below 0.00001.
gnomAD v4.1: 4 of 1,453,624 alleles (0.00028%); highest among the groups gnomAD compares: Non-Finnish European, 0.00037%; no homozygotes.

Submission:

GeneDx
Classification: Uncertain significance. Last evaluated: 2021-08-19. Review status: criteria provided, single submitter. Criteria: GeneDx Variant Classification Process June 2021. Collection method: clinical testing. Allele origin: germline. Affected: yes.
Comment: Not observed in large population cohorts (Lek et al., 2016); In silico analysis, which includes protein predictors and evolutionary conservation, supports a deleterious effect; Has not been previously published as pathogenic or benign to our knowledge

NM_012250.6(RRAS2):c.98A>G (p.Gln33Arg)

Gene: RRAS2 (RAS related 2; minus strand). Cytogenetic location: 11p15.2.
Variant type: single nucleotide variant.
Coding change: c.98A>G on transcript NM_012250.6 (MANE Select); coding-DNA position 98, A replaced by G.
Protein change: p.Gln33Arg; replaces glutamine 33 with arginine.
Molecular consequence: missense variant. On other transcripts: intron variant (1).
Genome position (GRCh38, 1-based): chr11:14,358,773, T>C on the plus strand (A>G on the coding strand, the complement: RRAS2 is on the minus strand). VCF-style: chr11-14358773-T-C. GRCh37 (hg19) VCF-style: chr11-14380319-T-C.
Other names: c.3+5618A>G (NM_001177314.2); short protein forms Q33R.
Identifiers: ClinVar variation 1254623 (VCV001254623.2), dbSNP rs1554955843, ClinGen allele CA379862733.